The following is an entry in ClinVar:

NM_021072.4(HCN1):c.1783+6C>A

Gene: HCN1 (hyperpolarization activated cyclic nucleotide gated potassium channel 1; minus strand). Cytogenetic location: 5p12.
Variant type: single nucleotide variant.
Coding change: c.1783+6C>A on transcript NM_021072.4 (MANE Select); 6 bases into the intron after coding-DNA position 1783, C replaced by A.
Molecular consequence: intron variant.
Genome position (GRCh38, 1-based): chr5:45,267,083, G>T on the plus strand (C>A on the coding strand, the complement: HCN1 is on the minus strand). VCF-style: chr5-45267083-G-T. GRCh37 (hg19) VCF-style: chr5-45267185-G-T.
Identifiers: ClinVar variation 2705929 (VCV002705929.3), dbSNP rs2478195298, ClinGen allele CA2673780480.

ClinVar aggregate classification (germline): Uncertain significance (1 of 4 stars; one submission).

Conditions:
Early-infantile DEE. Also called: Ohtahara syndrome; Early infantile epileptic encephalopathy with suppression bursts; Early infantile epileptic encephalopathy. Identifiers: Orphanet 1934, MedGen C0393706, MONDO:0800491.

Allele frequency attached by ClinVar (database versions not stated): gnomAD exomes below 0.00001.
gnomAD v4.1: 2 of 1,607,058 alleles (0.00012%); highest among the groups gnomAD compares: Non-Finnish European, 0.00017%; no homozygotes.

Submission:

Labcorp Genetics (formerly Invitae), Labcorp
Classification: Uncertain significance for Early-infantile DEE. Last evaluated: 2023-12-27. Review status: criteria provided, single submitter. Criteria: Invitae Variant Classification Sherloc (09022015). Collection method: clinical testing. Allele origin: germline.
Comment: This sequence change falls in intron 7 of the HCN1 gene. It does not directly change the encoded amino acid sequence of the HCN1 protein. It affects a nucleotide within the consensus splice site. This variant is not present in population databases (gnomAD no frequency). This variant has not been reported in the literature in individuals affected with HCN1-related conditions. Variants that disrupt the consensus splice site are a relatively common cause of aberrant splicing (PMID: 17576681, 9536098). Algorithms developed to predict the effect of sequence changes on RNA splicing suggest that this variant is not likely to affect RNA splicing. In summary, the available evidence is currently insufficient to determine the role of this variant in disease. Therefore, it has been classified as a Variant of Uncertain Significance.

Literature cited by the submitters: PubMed 17576681; PubMed 9536098.